The following is an entry in ClinVar:

NM_138694.4(PKHD1):c.1702G>T (p.Val568Phe)

Gene: PKHD1 (PKHD1 ciliary IPT domain containing fibrocystin/polyductin; minus strand). Cytogenetic location: 6p12.2.
Variant type: single nucleotide variant.
Coding change: c.1702G>T on transcript NM_138694.4 (MANE Select); coding-DNA position 1702, G replaced by T.
Protein change: p.Val568Phe; replaces valine 568 with phenylalanine.
Molecular consequence: missense variant.
Genome position (GRCh38, 1-based): chr6:52,055,721, C>A on the plus strand (G>T on the coding strand, the complement: PKHD1 is on the minus strand). VCF-style: chr6-52055721-C-A. GRCh37 (hg19) VCF-style: chr6-51920519-C-A.
Other names: c.1702G>T, p.Val568Phe (NM_170724.3); c.1702G>T (NM_138694.3); short protein forms V568F.
Identifiers: ClinVar variation 3594004 (VCV003594004.2).

ClinVar aggregate classification (germline): Uncertain significance. Review status: criteria provided, multiple submitters, no conflicts (2 of 4 stars). 2 submissions from 2 submitters: Uncertain significance (2). Last evaluated 2026-03-28.

Conditions:
PKHD1-related disorder. Also called: PKHD1-related condition.
Polycystic kidney disease 4 (PKD4). Also called: POLYCYSTIC KIDNEY DISEASE 4 WITH OR WITHOUT POLYCYSTIC LIVER DISEASE; PKD3; POLYCYSTIC KIDNEY AND HEPATIC DISEASE 1; POLYCYSTIC KIDNEY DISEASE, INFANTILE, TYPE I; Autosomal Recessive Polycystic Kidney Disease – PKHD1. Identifiers: MedGen C4540575, MONDO:0033004, OMIM 263200.

gnomAD v4.1: 23 of 1,613,780 alleles (0.0014%); highest among the groups gnomAD compares: African/African-American, 0.008%; no homozygotes.

Submissions (2):

PreventionGenetics, part of Exact Sciences
Classification: Uncertain significance for PKHD1-related condition. Last evaluated: 2026-03-28. Review status: criteria provided, single submitter. Criteria: ACMG Guidelines, 2015. Collection method: clinical testing. Allele origin: germline.
Comment: The PKHD1 c.1702G>T variant is predicted to result in the amino acid substitution p.Val568Phe. To our knowledge, this variant has not been reported in the literature. This variant is reported in 0.0047% of alleles in individuals of European (Non-Finnish) descent in gnomAD. At this time, the clinical significance of this variant is uncertain due to the absence of conclusive functional and genetic evidence.

Fulgent Genetics
Classification: Uncertain significance for Polycystic kidney disease 4. Last evaluated: 2024-05-23. Review status: criteria provided, single submitter. Criteria: ACMG Guidelines, 2015. Collection method: clinical testing. Allele origin: germline.